The following is an entry in ClinVar:

ClinVar aggregate classification (germline): Uncertain significance. Review status: criteria provided, multiple submitters, no conflicts (2 of 4 stars). 2 submissions from 2 submitters: Uncertain significance (2). Last evaluated 2025-10-16.

Conditions:
Early-infantile DEE. Also called: Ohtahara syndrome; Early infantile epileptic encephalopathy; Early infantile epileptic encephalopathy with suppression bursts. Identifiers: Orphanet 1934, MedGen C0393706, MONDO:0800491.

Allele frequency attached by ClinVar (database versions not stated): TOPMed 0.00001; gnomAD exomes below 0.00001 and 0.00001; gnomAD 0.00001.
gnomAD v4.1: 3 of 1,613,880 alleles (0.00019%); highest among the groups gnomAD compares: Admixed American, 0.005%; no homozygotes.

Submissions (2):

Labcorp Genetics (formerly Invitae), Labcorp
Classification: Uncertain significance for Early-infantile DEE. Last evaluated: 2025-10-16. Review status: criteria provided, single submitter. Criteria: Invitae Variant Classification Sherloc (09022015). Collection method: clinical testing. Allele origin: germline.
Comment: This sequence change replaces serine, which is neutral and polar, with arginine, which is basic and polar, at codon 1937 of the SCN8A protein (p.Ser1937Arg). This variant is present in population databases (rs796053230, gnomAD 0.006%). This variant has not been reported in the literature in individuals affected with SCN8A-related conditions. ClinVar contains an entry for this variant (Variation ID: 207135). Invitae Evidence Modeling of protein sequence and biophysical properties (such as structural, functional, and spatial information, amino acid conservation, physicochemical variation, residue mobility, and thermodynamic stability) indicates that this missense variant is not expected to disrupt SCN8A protein function with a negative predictive value of 95%. In summary, the available evidence is currently insufficient to determine the role of this variant in disease. Therefore, it has been classified as a Variant of Uncertain Significance.

GeneDx
Classification: Uncertain significance. Last evaluated: 2014-10-21. Review status: criteria provided, single submitter. Criteria: GeneDx Variant Classification (06012015). Collection method: clinical testing. Allele origin: germline. Affected: yes.
Comment: p.Ser1937Arg (S1937R) AGC>CGC: c.5809 A>C in exon 27 of the SCN8A gene (NM_014191.3). The S1937R variant has not been published as a mutation, nor has it been reported as a benign polymorphism to our knowledge. It was not observed in approximately 6,100 individuals of European and African American ancestry in the NHLBI Exome Sequencing Project, indicating it is not a common benign variant in these populations. The S1937R variant is a semi-conservative amino acid substitution, which may impact secondary protein structure as these residues differ in some properties. This substitution occurs at a position that is highly conserved across mammals but is not conserved in more distantly related species. In silico analysis is inconsistent in its predictions as to whether or not the variant is damaging to the protein structure/function.Therefore, based on the currently available information, it is unclear whether this variant is a pathogenic mutation or a rare benign variant. The variant is found in EPILEPSY panel(s).

NM_001330260.2(SCN8A):c.5809A>C (p.Ser1937Arg)

Gene: SCN8A (sodium voltage-gated channel alpha subunit 8; plus strand). Cytogenetic location: 12q13.13.
Variant type: single nucleotide variant.
Coding change: c.5809A>C on transcript NM_001330260.2 (MANE Select); coding-DNA position 5809, A replaced by C.
Protein change: p.Ser1937Arg; replaces serine 1937 with arginine.
Molecular consequence: missense variant.
Genome position (GRCh38, 1-based): chr12:51,807,295, A>C. VCF-style: chr12-51807295-A-C. GRCh37 (hg19) VCF-style: chr12-52201079-A-C.
Other names: p.S1937R:AGC>CGC; c.5686A>C, p.Ser1896Arg (NM_001177984.3, NM_001369788.1); c.5809A>C, p.Ser1937Arg (NM_014191.4); short protein forms S1937R, S1896R.
Identifiers: ClinVar variation 207135 (VCV000207135.8), dbSNP rs796053230, ClinGen allele CA318307.